The following is an entry in ClinVar:

ClinVar aggregate classification (germline): Likely pathogenic (1 of 4 stars; one submission).

Allele frequency attached by ClinVar (database versions not stated): TOPMed 0.00004; ExAC 0.00001; gnomAD exomes 0.00001; gnomAD 0.00005.

Submission:

Labcorp Genetics (formerly Invitae), Labcorp
Classification: Likely pathogenic. Last evaluated: 2025-10-10. Review status: criteria provided, single submitter. Criteria: Invitae Variant Classification Sherloc (09022015). Collection method: clinical testing. Allele origin: germline.
Comment: This sequence change affects a splice site in intron 5 of the SKIV2L gene. It is expected to disrupt RNA splicing. Variants that disrupt the donor or acceptor splice site typically lead to a loss of protein function (PMID: 16199547), and loss-of-function variants in SKIV2L are known to be pathogenic (PMID: 22444670). This variant is present in population databases (rs781534913, gnomAD 0.008%). Disruption of this splice site has been observed in individual(s) with clinical features of SKIV2L-related conditions (PMID: 36324046). ClinVar contains an entry for this variant (Variation ID: 2870913). Algorithms developed to predict the effect of sequence changes on RNA splicing suggest that this variant may disrupt the consensus splice site. In summary, the currently available evidence indicates that the variant is pathogenic, but additional data are needed to prove that conclusively. Therefore, this variant has been classified as Likely Pathogenic.

Literature cited by the submitters: PubMed 16199547; PubMed 22444670; PubMed 36324046.

NM_006929.5(SKIC2):c.470-2del

Gene: SKIC2 (SKI2 subunit of superkiller complex; plus strand). Cytogenetic location: 6p21.33.
Variant type: Deletion.
Coding change: c.470-2del on transcript NM_006929.5 (MANE Select); the canonical splice acceptor site of the intron before coding-DNA position 470, one base deleted (A; older notation c.470-2delA).
Molecular consequence: splice acceptor variant.
Genome position (GRCh38, 1-based): chr6:31,960,664, A deleted. VCF-style (leftmost placement, unchanged base first): chr6-31960663-CA-C. GRCh37 (hg19) VCF-style: chr6-31928440-CA-C.
Identifiers: ClinVar variation 2870913 (VCV002870913.3), dbSNP rs781534913, ClinGen allele CA3729169.